The following is an entry in ClinVar:

ClinVar aggregate classification (germline): Uncertain significance (1 of 4 stars; one submission).

gnomAD v4.1: 2 of 1,507,588 alleles (0.00013%); highest among the groups gnomAD compares: Non-Finnish European, 0.00018%; no homozygotes.

Submission:

Ambry Genetics
Classification: Uncertain significance. Last evaluated: 2024-08-07. Review status: criteria provided, single submitter. Criteria: Ambry Variant Classification Scheme 2023. Collection method: clinical testing. Allele origin: germline.
Comment: The p.I544F variant (also known as c.1630A>T), located in coding exon 16 of the PRKDC gene, results from an A to T substitution at nucleotide position 1630. The isoleucine at codon 544 is replaced by phenylalanine, an amino acid with highly similar properties. This amino acid position is conserved. In addition, this alteration is predicted to be tolerated by in silico analysis. Based on the available evidence, the clinical significance of this variant remains unclear.

NM_006904.7(PRKDC):c.1630A>T (p.Ile544Phe)

Gene: PRKDC (protein kinase, DNA-activated, catalytic subunit; minus strand). Cytogenetic location: 8q11.21.
Variant type: single nucleotide variant.
Coding change: c.1630A>T on transcript NM_006904.7 (MANE Select); coding-DNA position 1630, A replaced by T.
Protein change: p.Ile544Phe; replaces isoleucine 544 with phenylalanine.
Molecular consequence: missense variant.
Genome position (GRCh38, 1-based): chr8:47,933,166, T>A on the plus strand (A>T on the coding strand, the complement: PRKDC is on the minus strand). VCF-style: chr8-47933166-T-A. GRCh37 (hg19) VCF-style: chr8-48845726-T-A.
Other names: c.1630A>T, p.Ile544Phe (NM_001081640.2); short protein forms I544F.
Identifiers: ClinVar variation 3425289 (VCV003425289.1).